The following is an entry in ClinVar:

NM_018368.4(LMBRD1):c.-117C>T

Gene: LMBRD1 (LMBR1 domain containing 1; minus strand). Cytogenetic location: 6q13.
Variant type: single nucleotide variant.
Coding change: c.-117C>T on transcript NM_018368.4 (MANE Select); 117 bases upstream of the start codon, C replaced by T.
Molecular consequence: 5 prime UTR variant.
Genome position (GRCh38, 1-based): chr6:69,796,998, G>A on the plus strand (C>T on the coding strand, the complement: LMBRD1 is on the minus strand). VCF-style: chr6-69796998-G-A. GRCh37 (hg19) VCF-style: chr6-70506890-G-A.
Identifiers: ClinVar variation 357786 (VCV000357786.5), dbSNP rs550933505, ClinGen allele CA10622614.

ClinVar aggregate classification (germline): Benign (1 of 4 stars; one submission).

Conditions:
Methylmalonic aciduria and homocystinuria type cblF. Also called: COBALAMIN F DISEASE; COBALAMIN, DEFECT IN LYSOSOMAL RELEASE OF; METHYLMALONIC ACIDEMIA AND HOMOCYSTINURIA, cblF TYPE; METHYLMALONIC ACIDURIA DUE TO VITAMIN B12-RELEASE DEFECT; VITAMIN B12 LYSOSOMAL RELEASE DEFECT; VITAMIN B12 STORAGE DISEASE. Identifiers: Orphanet 79284, MedGen C1848578, MONDO:0010183, OMIM 277380.

Allele frequency attached by ClinVar (database versions not stated): gnomAD 0.00005 and 0.00071; TOPMed 0.00018; gnomAD exomes 0.00177; 1000 Genomes Project 30x 0.00359; 1000 Genomes Project 0.00379.
gnomAD v4.1: 1,385 of 886,398 alleles (0.16%); highest among the groups gnomAD compares: South Asian, 1.8%; 25 homozygotes.

Submission:

Illumina Laboratory Services, Illumina
Classification: Benign for Methylmalonic aciduria and homocystinuria type cblF. Last evaluated: 2018-01-12. Review status: criteria provided, single submitter. Criteria: ICSL Variant Classification Criteria 13 December 2019. Collection method: clinical testing. Allele origin: germline.
Comment: This variant was observed in the ICSL laboratory as part of a predisposition screen in an ostensibly healthy population. It had not been previously curated by ICSL or reported in the Human Gene Mutation Database (HGMD: prior to June 1st, 2018), and was therefore a candidate for classification through an automated scoring system. Utilizing variant allele frequency, disease prevalence and penetrance estimates, and inheritance mode, an automated score was calculated to assess if this variant is too frequent to cause the disease. Based on the score and internal cut-off values, a variant classified as benign is not then subjected to further curation. The score for this variant resulted in a classification of benign for this disease.